The following is an entry in ClinVar:

ClinVar aggregate classification (germline): Pathogenic/Likely pathogenic. Review status: criteria provided, multiple submitters, no conflicts (2 of 4 stars). 9 submissions from 9 submitters: Pathogenic (6); Likely pathogenic (3). Last evaluated 2026-06-29.

Conditions:
RHYNS syndrome. Also called: RETINITIS PIGMENTOSA SYNDROME; RETINITIS PIGMENTOSA, HYPOPITUITARISM, NEPHRONOPHTHISIS, AND MILD SKELETAL DYSPLASIA. Identifiers: Orphanet 140976, MedGen C1865794, MONDO:0011202, OMIM 602152.
COACH syndrome 1. Identifiers: Orphanet 1454, MedGen C5435651, MONDO:0800103, OMIM 216360, MONDO:0008996.
Bardet-Biedl syndrome 14 (BBS14). Identifiers: Orphanet 110, MedGen C2673874, MONDO:0014442, OMIM 615991.
Joubert syndrome 6 (JBTS6). Identifiers: Orphanet 475, MedGen C1853153, MONDO:0012539, OMIM 610688.
Nephronophthisis 11 (NPHP11). Identifiers: Orphanet 84081, MedGen C3150796, MONDO:0013302, OMIM 613550.
Meckel syndrome, type 3 (MKS3). Also called: MECKEL-GRUBER SYNDROME, TYPE 3. Identifiers: Orphanet 564, MedGen C1846357, MONDO:0011821, OMIM 607361.
TMEM67-related disorder. Also called: TMEM67-related condition; TMEM67-related disorders. Identifiers: MedGen CN239423.
Meckel-Gruber syndrome. Also called: GRUBER SYNDROME; DYSENCEPHALIA SPLANCHNOCYSTICA; Dysencephalia splachnocystica. Identifiers: Orphanet 564, MedGen C0265215, MONDO:0018921.
Joubert syndrome. Also called: JOUBERT-BOLTSHAUSER SYNDROME; Familial aplasia of the vermis. Identifiers: Orphanet 475, MedGen C5979921, MONDO:0018772.
Joubert syndrome and related disorders. Identifiers: Orphanet 140874, MedGen C5679612, MONDO:0015369.

Allele frequency attached by ClinVar (database versions not stated): TOPMed 0.00002; gnomAD 0.00003; gnomAD exomes 0.00006; ExAC 0.00009.
gnomAD v4.1: 41 of 1,613,778 alleles (0.0025%); highest among the groups gnomAD compares: East Asian, 0.016%; no homozygotes.

Submissions (9):

PreventionGenetics, part of Exact Sciences
Classification: Pathogenic for TMEM67-related condition. Last evaluated: 2026-06-29. Review status: criteria provided, single submitter. Criteria: ACMG Guidelines, 2015. Collection method: clinical testing. Allele origin: germline.
Comment: The TMEM67 c.1645C>T variant is predicted to result in the amino acid substitution p.Arg549Cys. This variant has been previously reported in the homozygous and compound heterozygous states in individuals with Meckel syndrome (see for example Hopp et al. 2011. PubMed ID: 21493627; Lu et al. 2013. PubMed ID: 24039893; Zhang et al. 2015. PubMed ID: 26191240; Szymanska et al. 2012. PubMed ID: 23351400, reported as c.1615C>T; p.R549C). This variant is reported in 0.020% of alleles in individuals of East Asian descent in gnomAD. This variant is interpreted as pathogenic.

Labcorp Genetics (formerly Invitae), Labcorp
Classification: Pathogenic for Joubert syndrome; Meckel-Gruber syndrome. Last evaluated: 2025-12-03. Review status: criteria provided, single submitter. Criteria: Invitae Variant Classification Sherloc (09022015). Collection method: clinical testing. Allele origin: germline.
Comment: This sequence change replaces arginine, which is basic and polar, with cysteine, which is neutral and slightly polar, at codon 549 of the TMEM67 protein (p.Arg549Cys). This variant is present in population databases (rs747025617, gnomAD 0.02%). This missense change has been observed in individuals with Meckel syndrome (PMID: 21493627, 23351400). It has also been observed to segregate with disease in related individuals. ClinVar contains an entry for this variant (Variation ID: 530903). Invitae Evidence Modeling of protein sequence and biophysical properties (such as structural, functional, and spatial information, amino acid conservation, physicochemical variation, residue mobility, and thermodynamic stability) indicates that this missense variant is expected to disrupt TMEM67 protein function with a positive predictive value of 95%. Experimental studies have shown that this missense change affects TMEM67 function (PMID: 26035863). For these reasons, this variant has been classified as Pathogenic.

Variantyx, Inc.
Classification: Likely pathogenic for Meckel syndrome, type 3. Last evaluated: 2025-11-07. Review status: criteria provided, single submitter. Criteria: Variantyx Assertion Criteria 2022. Collection method: clinical testing. Allele origin: germline. Inheritance: Autosomal recessive inheritance.
Comment: This is a nonsynonymous variant in the TMEM67 gene (OMIM: 609884). Pathogenic variants in this gene have been associated with autosomal recessive Meckel syndrome 3. This variant has been identified in the homozygous or compound heterozygous state in at least 3 individuals reported in the published literature (PMID: 21493627, 26191240) (PM3_Strong). An alternate amino acid change at this position (p.Arg549Ser) has been previously reported in similarly affected individuals, which suggests that this residue is biologically important (PMID: 26191240) (PM5). Multiple computational algorithms predict a deleterious effect for this variant (REVEL score: 0.93) (PP3). This variant has a 0.0156% maximum allele frequency in non-founder control populations (PM2). Based on the current evidence, this variant is classified as likely pathogenic for autosomal recessive Meckel syndrome 3.

GeneDx
Classification: Pathogenic. Last evaluated: 2025-10-10. Review status: criteria provided, single submitter. Criteria: GeneDx Variant Classification Process June 2021. Collection method: clinical testing. Allele origin: germline. Affected: yes.
Comment: Published functional studies demonstrated that mouse embryonic fibroblasts homozygous for the R549C variant failed to rescue basal responses to Wnt3a (PMID: 26035863); In silico analysis supports that this missense variant has a deleterious effect on protein structure/function; This variant is associated with the following publications: (PMID: 24039893, 21493627, 26191240, 23351400, 29304564, 34645491, 36008300, 26035863)

Greenwood Genetic Center Diagnostic Laboratories, Greenwood Genetic Center
Classification: Likely pathogenic for TMEM67-related disorder. Last evaluated: 2025-06-26. Review status: criteria provided, single submitter. Criteria: ACMG Guidelines, 2015. Collection method: clinical testing. Allele origin: germline. Affected: yes.
Comment: PS3_Moderate, PM2, PM3

Fulgent Genetics
Classification: Likely pathogenic for COACH syndrome 1; RHYNS syndrome; Meckel syndrome, type 3; Joubert syndrome 6; Nephronophthisis 11; Bardet-Biedl syndrome 14. Last evaluated: 2023-12-27. Review status: criteria provided, single submitter. Criteria: ACMG Guidelines, 2015. Collection method: clinical testing. Allele origin: germline.

Blueprint Genetics
Classification: Pathogenic for TMEM67-related disorders. Last evaluated: 2023-10-06. Review status: criteria provided, single submitter. Criteria: ACMG Guidelines, 2015. Collection method: clinical testing. Allele origin: germline. Affected: yes. Observed: 5 variant alleles.

Women's Health and Genetics/Laboratory Corporation of America, LabCorp
Classification: Pathogenic for Joubert syndrome and related disorders. Last evaluated: 2021-10-27. Review status: criteria provided, single submitter. Criteria: LabCorp Variant Classification Summary - May 2015. Collection method: clinical testing. Allele origin: germline.
Comment: Variant summary: TMEM67 c.1645C>T (p.Arg549Cys) results in a non-conservative amino acid change in the encoded protein sequence. Five of five in-silico tools predict a damaging effect of the variant on protein function. The variant allele was found at a frequency of 5.6e-05 in 251456 control chromosomes (gnomAD). This frequency is lower than the maximum expected for a pathogenic variant in TMEM67 causing Joubert Syndrome and Related Disorders (5.6e-05 vs 0.0018), allowing no conclusion about variant significance. c.1645C>T has been reported in the literature in multiple homozygous- and compound heterozygous individuals affected with Joubert Syndrome and Related Disorders (Hopp_2011, Szymanska_2012, Zhang_2015), including segregation evidence in one of the reported families (Zhang_2015). These data indicate that the variant is very likely to be associated with disease. At least one publication reported experimental evidence evaluating an impact on protein function, and demonstrated that the variant failed to restore the de-regulated Wnt/beta-catenin signaling in Tmem67 -/- mouse embryonic fibroblasts (Abdelhamed_2015). Two clinical diagnostic laboratories have submitted clinical-significance assessments for this variant to ClinVar after 2014 without evidence for independent evaluation, and both of them classified the variant as pathogenic. Based on the evidence outlined above, the variant was classified as pathogenic.

Neuberg Centre For Genomic Medicine, NCGM
Classification: Pathogenic for Meckel syndrome, type 3. Review status: criteria provided, single submitter. Criteria: ACMG Guidelines, 2015. Collection method: clinical testing. Allele origin: germline. Inheritance: Autosomal recessive inheritance. Affected: yes.
Comment: The missense variant p.R549C in TMEM67 (NM_153704.6) has been previously reported as homozygous or in combination with another TMEM67 variant in individuals affected with Meckel syndrome ( Hopp et al, 2011). The p.R549C variant is observed in 4/18,394 (0.0217%) alleles from individuals of East Asian background in gnomAD Exomes and is novel (not in any individuals) in 1000 Genomes. Experimental studies have shown that this missense change is unable to rescue de-regulated Wnt/beta-catenin signaling that is present in a null knockout mouse model (Abdelhamed et al, 2015). There is a large physicochemical difference between arginine and cysteine, which is likely to impact secondary protein structure as these residues differ in polarity, charge, size and/or other properties. The p.R549C missense variant is predicted to be damaging by both SIFT and PolyPhen2. The nucleotide c.1645 in TMEM67 is predicted conserved by GERP++ and PhyloP across 100 vertebrates. For these reasons, this variant has been classified as Pathogenic.

Literature cited by the submitters: PubMed 21493627 (cited by 3 submitters); PubMed 23351400 (cited by Labcorp Genetics (formerly Invitae), Labcorp and Women's Health and Genetics/Laboratory Corporation of America, LabCorp); PubMed 26035863 (cited by Labcorp Genetics (formerly Invitae), Labcorp and Women's Health and Genetics/Laboratory Corporation of America, LabCorp); PubMed 26191240 (cited by Variantyx, Inc. and Women's Health and Genetics/Laboratory Corporation of America, LabCorp); PubMed 32000717 (cited by Women's Health and Genetics/Laboratory Corporation of America, LabCorp); PubMed 24039893 (cited by Women's Health and Genetics/Laboratory Corporation of America, LabCorp).

NM_153704.6(TMEM67):c.1645C>T (p.Arg549Cys)

Gene: TMEM67 (transmembrane protein 67; plus strand). Cytogenetic location: 8q22.1.
Variant type: single nucleotide variant.
Coding change: c.1645C>T on transcript NM_153704.6 (MANE Select); coding-DNA position 1645, C replaced by T.
Protein change: p.Arg549Cys; replaces arginine 549 with cysteine.
Molecular consequence: missense variant. On other transcripts: non-coding transcript variant (1).
Genome position (GRCh38, 1-based): chr8:93,793,267, C>T. VCF-style: chr8-93793267-C-T. GRCh37 (hg19) VCF-style: chr8-94805495-C-T.
Other names: c.1402C>T, p.Arg468Cys (NM_001142301.1); short protein forms R468C, R549C.
Identifiers: ClinVar variation 530903 (VCV000530903.23), dbSNP rs747025617, ClinGen allele CA4808035.